The following is an entry in ClinVar:

NM_015137.6(EFR3A):c.1917T>C (p.His639=)

Gene: EFR3A (EFR3 homolog A; plus strand). Cytogenetic location: 8q24.22.
Variant type: single nucleotide variant.
Coding change: c.1917T>C on transcript NM_015137.6 (MANE Select); coding-DNA position 1917, T replaced by C.
Protein change: p.His639=; no amino-acid change (histidine 639 retained).
Molecular consequence: synonymous variant. On other transcripts: non-coding transcript variant (2).
Genome position (GRCh38, 1-based): chr8:131,986,241, T>C. VCF-style: chr8-131986241-T-C. GRCh37 (hg19) VCF-style: chr8-132998488-T-C.
Other names: c.1809T>C, p.His603= (NM_001323553.2, NM_001323554.2, NM_001323555.2 and 2 more transcripts); c.1917T>C, p.His639= (NM_001323558.2).
Identifiers: ClinVar variation 3352861 (VCV003352861.1).

ClinVar aggregate classification (germline): Likely benign (0 of 4 stars; one submission).

Conditions:
EFR3A-related disorder. Also called: EFR3A-related condition.

gnomAD v4.1: 395 of 1,586,978 alleles (0.025%); highest among the groups gnomAD compares: Non-Finnish European, 0.031%; no homozygotes.

Submission:

PreventionGenetics, part of Exact Sciences
Classification: Likely benign for EFR3A-related condition. Last evaluated: 2024-06-17. Review status: no assertion criteria provided. Collection method: clinical testing. Allele origin: germline.
Comment: This variant is classified as likely benign based on ACMG/AMP sequence variant interpretation guidelines (Richards et al. 2015 PMID: 25741868, with internal and published modifications).